The following is an entry in ClinVar:

NM_004036.5(ADCY3):c.2128_2134del (p.Met710fs)

Gene: ADCY3 (adenylate cyclase 3; minus strand). Cytogenetic location: 2p23.3.
Variant type: Deletion.
Coding change: c.2128_2134del on transcript NM_004036.5 (MANE Select); coding-DNA positions 2128 to 2134, 7 bases deleted (ATGCTCG; older notation c.2128_2134delATGCTCG).
Protein change: p.Met710fs; shifts the reading frame from methionine 710.
Molecular consequence: frameshift variant.
Genome position (GRCh38, 1-based): chr2:24,830,747-24,830,753, CGAGCAT deleted on the plus strand (ATGCTCG on the coding strand, the reverse complement: ADCY3 is on the minus strand). VCF-style (leftmost placement, unchanged base first): chr2-24830746-GCGAGCAT-G. GRCh37 (hg19) VCF-style: chr2-25053615-GCGAGCAT-G.
Other names: c.2128_2134del, p.Met710fs (NM_001320613.2, NM_001377129.1, NM_001377130.1 and 1 more transcripts); c.2194_2200del, p.Met732fs (NM_001377128.1); c.1405_1411del, p.Met469fs (NM_001377131.1); short protein forms M732fs, M469fs, M710fs.
Identifiers: ClinVar variation 4981360 (VCV004981360.1).

ClinVar aggregate classification (germline): Likely pathogenic (1 of 4 stars; one submission).

Conditions:
ADCY3-related disorder. Also called: ADCY3-related condition.

Submission:

PreventionGenetics, part of Exact Sciences
Classification: Likely pathogenic for ADCY3-related condition. Last evaluated: 2024-12-27. Review status: criteria provided, single submitter. Criteria: ACMG Guidelines, 2015. Collection method: clinical testing. Allele origin: germline.
Comment: The ADCY3 c.2128_2134del7 variant is predicted to result in a frameshift and premature protein termination (p.Met710Profs*6). To our knowledge, this variant has not been reported in the literature or in a large population database (gnomAD), indicating this variant is rare. Frameshift variants in ADCY3 are expected to be pathogenic. This variant is interpreted as likely pathogenic.